The following is an entry in ClinVar:

NM_000038.6(APC):c.220+3A>G

Gene: APC (APC regulator of Wnt signaling pathway; plus strand). Cytogenetic location: 5q22.2.
Variant type: single nucleotide variant.
Coding change: c.220+3A>G on transcript NM_000038.6 (MANE Select); 3 bases into the intron after coding-DNA position 220, A replaced by G.
Molecular consequence: intron variant.
Genome position (GRCh38, 1-based): chr5:112,766,413, A>G. VCF-style: chr5-112766413-A-G. GRCh37 (hg19) VCF-style: chr5-112102110-A-G.
Other names: c.220+3A>G (NM_001354895.2, NM_001127510.3, NM_001354896.2 and 2 more transcripts); c.250+3A>G (NM_001354897.2, NM_001354902.2, NM_001127511.3); c.145+3A>G (NM_001354898.2, NM_001354904.2); c.-816+3A>G (NM_001354906.2); c.43+3A>G (NM_001354900.2, NM_001354901.2, NM_001354905.2).
Identifiers: ClinVar variation 1049335 (VCV001049335.3), dbSNP rs1554069573, ClinGen allele CA2499217414.
Genomic context (GRCh38, chr5:112,766,413, plus strand): 5'-ATTGAAGATGAAGCTATGGCTTCTTCTGGACAGATTGATTTATTAGAGCGTCTTAAAGGT[A>G]GATTTTAAAAAGGTGTTTTAAAATAATTTTTTAAGCTCAAATTGTCATCTTTAGGTGTGT-3'

ClinVar aggregate classification (germline): Likely pathogenic. Review status: criteria provided, single submitter (1 of 4 stars). 2 submissions from 2 submitters: Likely pathogenic (1). 1 of the submissions does not count toward it. Last evaluated 2021-11-04.

Conditions:
Hereditary cancer-predisposing syndrome. Also called: Hereditary Cancer Syndrome; Hereditary neoplastic syndrome; Tumor predisposition; Neoplastic Syndromes, Hereditary. Identifiers: Orphanet 140162, MedGen C0027672, MeSH D009386, MONDO:0015356.
Carcinoma of colon (CRC). Also called: Colonic carcinoma; Colon carcinoma. Identifiers: MedGen C0699790, MONDO:0002032.

Submissions (2):

Ambry Genetics
Classification: Likely pathogenic for Hereditary cancer-predisposing syndrome. Last evaluated: 2021-11-04. Review status: criteria provided, single submitter. Criteria: Ambry Variant Classification Scheme 2023. Collection method: clinical testing. Allele origin: germline.
Comment: The c.220+3A>G intronic variant results from an A to G substitution 3 nucleotides after coding exon 2 in the APC gene. This nucleotide position is highly conserved in available vertebrate species. In silico splice site analysis predicts that this alteration will result in the creation or strengthening of a novel splice donor site. RNA studies have demonstrated that this alteration results in abnormal splicing in the set of samples tested (Ambry internal data). This alteration has been observed in at least one individual with a personal and/or family history that is consistent with APC-related disease (Ambry internal data). Based on the majority of available evidence to date, this variant is likely to be pathogenic.

Department of Pathology and Laboratory Medicine, Sinai Health System
Classification: Uncertain significance for Carcinoma of colon. Review status: no assertion criteria provided. Collection method: clinical testing. Allele origin: unknown. Affected: yes. Study: The Canadian Open Genetics Repository (COGR). Not counted in ClinVar's aggregate classification.
Comment: The APC c.220+3A>G variant was not identified in the literature nor was it identified in the following databases: dbSNP, ClinVar, Cosmic, MutDB, UMD-LSDB, Insight Colon Cancer Gene Variant Database, Zhejiang Colon Cancer Database. The variant was not identified in the following control databases: the 1000 Genomes Project, the NHLBI GO Exome Sequencing Project, the Exome Aggregation Consortium (August 8th 2016), or the Genome Aggregation Database (Feb 27, 2017). The c.220+3A>G variant is located in the 5' splice region but does not affect the invariant +1 and +2 positions. However, positions +3 to +6 are part of the splicing consensus sequence and variants involving these positions sometimes affect splicing. In addition, 3 of 5 in silico or computational prediction software programs (SpliceSiteFinder, MaxEntScan, NNSPLICE, GeneSplicer, HumanSpliceFinder) predict a greater than 10% difference in splicing. However, this information is not predictive enough to assume pathogenicity. In summary, based on the above information the clinical significance of this variant cannot be determined with certainty at this time. This variant is classified as a variant of uncertain significance.